The following is an entry in ClinVar:

ClinVar aggregate classification (germline): Benign/Likely benign. Review status: criteria provided, multiple submitters, no conflicts (2 of 4 stars). 2 submissions from 2 submitters: Benign (1); Likely benign (1). Last evaluated 2026-01-04.

Conditions:
Methylmalonic acidemia with homocystinuria, type cblX (MAHCX). Also called: INTELLECTUAL DEVELOPMENTAL DISORDER, X-LINKED 3. Identifiers: Orphanet 369962, MedGen C0796208, MONDO:0010657, OMIM 309541.

Allele frequency attached by ClinVar (database versions not stated): gnomAD exomes 0.00005; TOPMed 0.00008; ExAC 0.00010; gnomAD 0.00014 and 0.00015; ESP Exome Variant Server 0.00020.

Submissions (2):

Labcorp Genetics (formerly Invitae), Labcorp
Classification: Benign for Methylmalonic acidemia with homocystinuria, type cblX. Last evaluated: 2026-01-04. Review status: criteria provided, single submitter. Criteria: Invitae Variant Classification Sherloc (09022015). Collection method: clinical testing. Allele origin: germline.

CeGaT Center for Human Genetics Tuebingen
Classification: Likely benign. Last evaluated: 2023-02-01. Review status: criteria provided, single submitter. Criteria: CeGaT Center For Human Genetics Tuebingen Variant Classification Criteria Version 2. Collection method: clinical testing. Allele origin: germline. Affected: yes. Observed: 1 variant allele.
Comment: HCFC1: BP4, BP7, BS2

NM_005334.3(HCFC1):c.5160C>T (p.Ala1720=)

Gene: HCFC1 (host cell factor C1; minus strand). Cytogenetic location: Xq28.
Variant type: single nucleotide variant.
Coding change: c.5160C>T on transcript NM_005334.3 (MANE Select); coding-DNA position 5160, C replaced by T.
Protein change: p.Ala1720=; no amino-acid change (alanine 1720 retained).
Molecular consequence: synonymous variant.
Genome position (GRCh38, 1-based): chrX:153,951,941, G>A on the plus strand (C>T on the coding strand, the complement: HCFC1 is on the minus strand). VCF-style: chrX-153951941-G-A. GRCh37 (hg19) VCF-style: chrX-153217392-G-A.
Identifiers: ClinVar variation 1601667 (VCV001601667.36), dbSNP rs370379881, ClinGen allele CA10556858.
Genomic context (GRCh38, chrX:153,951,941, plus strand): 5'-GACCGTGCCGGCCAGCTCATTGAGGCAATTGCTCTCAATGGCTGGGTCGTTGAGACTGTC[G>A]GCAGGGGCCAGGGCCTCAGTGGGGAGGTGGTGATGCTGCTGCTGGGCCTGGGCCTCCTGC-3'
Protein context (NP_005325.2, residues 1710-1730): HHLPTEALAP[Ala1720=]DSLNDPAIES